The following is an entry in ClinVar:

NM_001370259.2(MEN1):c.1350+1G>C

Gene: MEN1 (menin 1; minus strand). Cytogenetic location: 11q13.1.
Variant type: single nucleotide variant.
Coding change: c.1350+1G>C on transcript NM_001370259.2 (MANE Select); the canonical splice donor site of the intron after coding-DNA position 1350, G replaced by C.
Molecular consequence: splice donor variant. On other transcripts: intron variant (1).
Genome position (GRCh38, 1-based): chr11:64,805,033, C>G on the plus strand (G>C on the coding strand, the complement: MEN1 is on the minus strand). VCF-style: chr11-64805033-C-G. GRCh37 (hg19) VCF-style: chr11-64572505-C-G.
Other names: c.1365+1G>C (NM_130804.3, NM_130803.3, NM_000244.4 and 4 more transcripts); c.1245+1G>C (NM_001407148.1, NM_001407149.1, NM_001370263.2 and 1 more transcripts); c.1350+1G>C (NM_130799.3, NM_001370260.2, NM_001407146.1 and 2 more transcripts); c.1476+1G>C (NM_001407144.1, NM_001370251.2, NM_001407142.1 and 1 more transcripts); c.1371+1G>C (NM_001407151.1); c.1186-217G>C (NM_001407152.1); c.1491+1G>C (NM_001407150.1).
Identifiers: ClinVar variation 1684302 (VCV001684302.3), dbSNP rs863223311, ClinGen allele CA381180007.
Genomic context (GRCh38, chr11:64,805,033, plus strand): 5'-ACAAGCCCGTGGCTGCTGTCACCACCTGTAGTGCCCAGACCTCTGTGCAGCTGTCCCTCA[C>G]CTGTCCCTCAAAACGGCCTAGGGACTGCACAAGAAAGGTGGCCCAGCCCACATGCAGCAC-3'

ClinVar aggregate classification (germline): Pathogenic (1 of 4 stars; one submission).

Conditions:
Multiple endocrine neoplasia, type 1 (MEN1). Also called: MEA I; MEN I; WERMER SYNDROME; Endocrine adenomatosis multiple; MEN 1. Identifiers: Orphanet 652, MedGen C0025267, MeSH D018761, MONDO:0007540, OMIM 131100.

Submission:

Human Genetics Unit, University Of Colombo
Classification: Pathogenic for Multiple endocrine neoplasia, type 1. Last evaluated: 2020-06-20. Review status: criteria provided, single submitter. Criteria: ACMG Guidelines, 2015. Collection method: research. Allele origin: germline. Inheritance: Autosomal dominant inheritance. Affected: yes.
Comment: Theis variant had not been recorded in any of the variant or population frequency databases or scientific literature. However, a different alternative allele for the same chromosomal position for MEN1 variant (c.1365+1G>A) has been recorded in Clinvar as pathogenic to hyperparathyroidism. This variant is located in a canonical splice-site and is predicted to affect mRNA splicing resulting in an altered protein due to exon skipping.